The following is an entry in ClinVar:

ClinVar aggregate classification (germline): Benign/Likely benign. Review status: criteria provided, multiple submitters, no conflicts (2 of 4 stars). 4 submissions from 4 submitters: Benign (1); Likely benign (3). Last evaluated 2025-10-29.

Conditions:
Hereditary cancer-predisposing syndrome. Also called: Hereditary Cancer Syndrome; Hereditary neoplastic syndrome; Tumor predisposition; Neoplastic Syndromes, Hereditary. Identifiers: Orphanet 140162, MedGen C0027672, MeSH D009386, MONDO:0015356.
Peutz-Jeghers syndrome (PJS). Also called: POLYPOSIS, HAMARTOMATOUS INTESTINAL; POLYPS-AND-SPOTS SYNDROME; Peutz-Jeghers polyposis; Periorificial lentiginosis syndrome. Identifiers: Orphanet 2869, MedGen C0031269, MeSH D010580, MONDO:0008280, OMIM 175200.

Submissions (4):

Labcorp Genetics (formerly Invitae), Labcorp
Classification: Likely benign for Peutz-Jeghers syndrome. Last evaluated: 2025-10-29. Review status: criteria provided, single submitter. Criteria: Invitae Variant Classification Sherloc (09022015). Collection method: clinical testing. Allele origin: germline.

Myriad Genetics, Inc.
Classification: Benign for Peutz-Jeghers syndrome. Last evaluated: 2025-03-25. Review status: criteria provided, single submitter. Criteria: Myriad Autosomal Dominant, Autosomal Recessive and X-Linked Classification Criteria (2023). Collection method: clinical testing. Allele origin: unknown.
Comment: This variant is considered benign. This variant is a silent/synonymous amino acid change and it is not expected to impact splicing.

Ambry Genetics
Classification: Likely benign for Hereditary cancer-predisposing syndrome. Last evaluated: 2023-05-06. Review status: criteria provided, single submitter. Criteria: Ambry Variant Classification Scheme 2023. Collection method: clinical testing. Allele origin: germline.

All of Us Research Program, National Institutes of Health
Classification: Likely benign for Peutz-Jeghers syndrome. Last evaluated: 2023-04-03. Review status: criteria provided, single submitter. Criteria: ACMG Guidelines, 2015. Collection method: clinical testing. Allele origin: germline. Inheritance: Autosomal dominant inheritance. Observed: 1 variant allele, 1 heterozygote.
Comment: This study involves interpretation of variants in research participants for the purpose of population health screening. Participant phenotype was not available at the time of variant classification. Additional details can be found in publication PMID: 35346344, PMCID: PMC8962531

NM_000455.5(STK11):c.273G>A (p.Gly91=)

Gene: STK11 (serine/threonine kinase 11; plus strand). Cytogenetic location: 19p13.3.
Variant type: single nucleotide variant.
Coding change: c.273G>A on transcript NM_000455.5 (MANE Select); coding-DNA position 273, G replaced by A.
Protein change: p.Gly91=; no amino-acid change (glycine 91 retained).
Molecular consequence: synonymous variant.
Genome position (GRCh38, 1-based): chr19:1,207,186, G>A. VCF-style: chr19-1207186-G-A. GRCh37 (hg19) VCF-style: chr19-1207185-G-A.
Identifiers: ClinVar variation 458036 (VCV000458036.12), dbSNP rs1244118815, ClinGen allele CA504706337.